The following is an entry in ClinVar:

ClinVar aggregate classification (germline): Uncertain significance. Review status: criteria provided, multiple submitters, no conflicts (2 of 4 stars). 5 submissions from 5 submitters: Uncertain significance (5). Last evaluated 2026-03-27.

Conditions:
Inborn genetic diseases. Identifiers: MedGen C0950123, MeSH D030342.
Developmental and epileptic encephalopathy, 18 (DEE18). Also called: Early infantile epileptic encephalopathy 18. Identifiers: Orphanet 369894, MedGen C3809624, MONDO:0014201, OMIM 615476.

Allele frequency attached by ClinVar (database versions not stated): gnomAD exomes 0.00003 and 0.00007; TOPMed 0.00003; gnomAD 0.00004; ExAC 0.00007.
gnomAD v4.1: 44 of 1,552,844 alleles (0.0028%); highest among the groups gnomAD compares: Middle Eastern, 0.017%; no homozygotes.

Submissions (5):

GeneDx
Classification: Uncertain significance. Last evaluated: 2026-03-27. Review status: criteria provided, single submitter. Criteria: GeneDx Variant Classification Process June 2021. Collection method: clinical testing. Allele origin: germline.
Comment: In silico analysis supports that this missense variant has a deleterious effect on protein structure/function; Has not been previously published as pathogenic or benign to our knowledge

Blueprint Genetics
Classification: Uncertain significance. Last evaluated: 2024-03-20. Review status: criteria provided, single submitter. Criteria: ACMG Guidelines, 2015. Collection method: clinical testing. Allele origin: germline.

Genome-Nilou Lab
Classification: Uncertain significance for Developmental and epileptic encephalopathy, 18. Last evaluated: 2023-04-11. Review status: criteria provided, single submitter. Criteria: ACMG Guidelines, 2015. Collection method: clinical testing. Allele origin: germline. Affected: no.

Labcorp Genetics (formerly Invitae), Labcorp
Classification: Uncertain significance. Last evaluated: 2022-10-25. Review status: criteria provided, single submitter. Criteria: Invitae Variant Classification Sherloc (09022015). Collection method: clinical testing. Allele origin: germline.
Comment: This sequence change replaces arginine, which is basic and polar, with cysteine, which is neutral and slightly polar, at codon 1704 of the SZT2 protein (p.Arg1704Cys). This variant is present in population databases (rs765040883, gnomAD 0.02%). This variant has not been reported in the literature in individuals affected with SZT2-related conditions. ClinVar contains an entry for this variant (Variation ID: 838197). Advanced modeling of protein sequence and biophysical properties (such as structural, functional, and spatial information, amino acid conservation, physicochemical variation, residue mobility, and thermodynamic stability) performed at Invitae indicates that this missense variant is not expected to disrupt SZT2 protein function. In summary, the available evidence is currently insufficient to determine the role of this variant in disease. Therefore, it has been classified as a Variant of Uncertain Significance.

Ambry Genetics
Classification: Uncertain significance for Inborn genetic diseases. Last evaluated: 2022-02-11. Review status: criteria provided, single submitter. Criteria: Ambry Variant Classification Scheme 2023. Collection method: clinical testing. Allele origin: germline.

NM_001365999.1(SZT2):c.5281C>T (p.Arg1761Cys)

Gene: SZT2 (SZT2 subunit of KICSTOR complex; plus strand). Cytogenetic location: 1p34.2.
Variant type: single nucleotide variant.
Coding change: c.5281C>T on transcript NM_001365999.1 (MANE Select); coding-DNA position 5281, C replaced by T.
Protein change: p.Arg1761Cys; replaces arginine 1761 with cysteine.
Molecular consequence: missense variant.
Genome position (GRCh38, 1-based): chr1:43,432,278, C>T. VCF-style: chr1-43432278-C-T. GRCh37 (hg19) VCF-style: chr1-43897949-C-T.
Other names: c.5110C>T, p.Arg1704Cys (NM_015284.4); short protein forms R1704C, R1761C.
Identifiers: ClinVar variation 838197 (VCV000838197.9), dbSNP rs765040883, ClinGen allele CA809536.